The following is an entry in ClinVar:

ClinVar aggregate classification (germline): Likely pathogenic. Review status: criteria provided, multiple submitters, no conflicts (2 of 4 stars). 2 submissions from 2 submitters: Likely pathogenic (2). Last evaluated 2025-04-01.

Conditions:
Lymphatic malformation 12 (LMPHM12). Also called: CENTRAL CONDUCTING LYMPHATIC ANOMALY. Identifiers: MedGen C5774203, MONDO:0031043, OMIM 620014.

Allele frequency attached by ClinVar (database versions not stated): gnomAD exomes below 0.00001.

Submissions (2):

CeGaT Center for Human Genetics Tuebingen
Classification: Likely pathogenic. Last evaluated: 2025-04-01. Review status: criteria provided, single submitter. Criteria: CeGaT Center For Human Genetics Tuebingen Variant Classification Criteria Version 2. Collection method: clinical testing. Allele origin: germline. Affected: yes. Observed: 2 variant alleles.
Comment: MDFIC: PVS1:Strong, PM2, PM3:Supporting

New York Genome Center
Classification: Likely pathogenic for Lymphatic malformation 12. Last evaluated: 2024-02-13. Review status: criteria provided, single submitter. Criteria: NYGC Assertion Criteria 2020. Collection method: clinical testing. Allele origin: inherited. Affected: yes. Observed: 4 variant alleles, 4 homozygotes. Clinical features observed: Hydrops fetalis (HP:0001789), Fetal pleural effusion (HP:0025676), Fetal skin edema (HP:0025672), Abnormal aortic valve physiology (HP:0031652).
Comment: The homozygous c.585del (p.(Cys195Ter) identified in the MDFIC gene has not previously been reported in the literature and has been deposited in ClinVar [ClinVar ID:1676080] as Likely Pathogenic (1 submission). The c.585del variant is observed in 1 allele (6.840e-5 minor allele frequency with 0 homozygotes) in population databases (gnomAD v4.0.0, BRAVO-TOPMed, All of US) suggesting it is not a common benign variant in the populations represented in those databases. The c.585del variant in MDFIC is located in exon 5 of this 5-exon gene, predicted to escape nonsense-mediated decay and result in loss of the last 52 amino acids (p.(Cys195Ter)) from the cysteine-rich domain essential for the protein-protein interactions between MDFIC and transcription factor componentry. The most common variant c.391dupA, p.(Met131AsnfsTer3) has been reported as compound heterozygous or homozygous in 5 individuals and also escapes nonsense-mediated decay and impact C-terminal cysteine-rich domain [PMID:35235341]. Based on available evidence this biparentally inherited homozygous c.585del p.(Cys195Ter) frameshift variant identified in the MDFIC gene is classified as Likely Pathogenic.

NM_001166345.3(MDFIC):c.585del (p.Ile194_Cys195insTer)

Gene: MDFIC (MyoD family inhibitor domain containing; plus strand). Cytogenetic location: 7q31.2.
Variant type: Deletion.
Coding change: c.585del on transcript NM_001166345.3 (MANE Select); coding-DNA position 585, one base deleted (C; older notation c.585delC).
Protein change: p.Ile194_Cys195insTer.
Molecular consequence: nonsense.
Genome position (GRCh38, 1-based): chr7:115,015,779, C deleted. VCF-style (leftmost placement, unchanged base first): chr7-115015778-GC-G. GRCh37 (hg19) VCF-style: chr7-114655832-GC-G.
Other names: c.912del, p.Ile303_Cys304insTer (NM_199072.5).
Identifiers: ClinVar variation 1676080 (VCV001676080.34), dbSNP rs2116156361, ClinGen allele CA2573141600.